The following is an entry in ClinVar:

NM_001159699.2(FHL1):c.737-5C>A

Gene: FHL1 (four and a half LIM domains 1; plus strand). Cytogenetic location: Xq26.3.
Variant type: single nucleotide variant.
Coding change: c.737-5C>A on transcript NM_001159699.2 (MANE Select); 5 bases into the intron before coding-DNA position 737, C replaced by A.
Molecular consequence: intron variant.
Genome position (GRCh38, 1-based): chrX:136,209,866, C>A. VCF-style: chrX-136209866-C-A. GRCh37 (hg19) VCF-style: chrX-135292025-C-A.
Other names: c.889-5C>A (NM_001159702.2, NM_001159702.3, NM_001369326.1 and 2 more transcripts); c.689-5C>A (NM_001449.5, NM_001369329.1, NM_001369330.1 and 4 more transcripts); c.502-5C>A (NM_001159703.2); c.776-5C>A (NM_001159701.2); c.550-5C>A (NM_001330659.2).
Identifiers: ClinVar variation 513845 (VCV000513845.13), dbSNP rs771803774, ClinGen allele CA10525118.

ClinVar aggregate classification (germline): Benign/Likely benign. Review status: criteria provided, multiple submitters, no conflicts (2 of 4 stars). 4 submissions from 4 submitters: Benign (2); Likely benign (2). Last evaluated 2026-06-30.

Conditions:
FHL1-related disorder. Also called: FHL1-related condition; FHL1-related disorders.
Cardiovascular phenotype. Identifiers: MedGen CN230736.
X-linked myopathy with postural muscle atrophy. Also called: FHL1-Related Emery-Dreifuss Muscular Dystrophy, X-Linked. Identifiers: Orphanet 178461, MedGen C2678055, MONDO:0010401, OMIM 300696.

Allele frequency attached by ClinVar (database versions not stated): gnomAD exomes 0.00005; ExAC 0.00006; 1000 Genomes Project 0.00026; 1000 Genomes Project 30x 0.00042; TOPMed 0.00003; gnomAD 0.00004 and 0.00005.

Submissions (4):

PreventionGenetics, part of Exact Sciences
Classification: Likely benign for FHL1-related condition. Last evaluated: 2026-06-30. Review status: criteria provided, single submitter. Criteria: ACMG Guidelines, 2015. Collection method: clinical testing. Allele origin: germline.
Comment: This variant is classified as likely benign based on ACMG/AMP sequence variant interpretation guidelines (Richards et al. 2015 PMID: 25741868, with internal and published modifications).

Labcorp Genetics (formerly Invitae), Labcorp
Classification: Benign for X-linked myopathy with postural muscle atrophy. Last evaluated: 2025-09-14. Review status: criteria provided, single submitter. Criteria: Invitae Variant Classification Sherloc (09022015). Collection method: clinical testing. Allele origin: germline.

Ambry Genetics
Classification: Benign for Cardiovascular phenotype. Last evaluated: 2025-03-04. Review status: criteria provided, single submitter. Criteria: Ambry Variant Classification Scheme 2023. Collection method: clinical testing. Allele origin: germline.

GeneDx
Classification: Likely benign. Last evaluated: 2017-12-05. Review status: criteria provided, single submitter. Criteria: GeneDx Variant Classification (06012015). Collection method: clinical testing. Allele origin: germline. Affected: yes.
Comment: This variant is considered likely benign or benign based on one or more of the following criteria: it is a conservative change, it occurs at a poorly conserved position in the protein, it is predicted to be benign by multiple in silico algorithms, and/or has population frequency not consistent with disease.